The following is an entry in ClinVar:

NM_000350.3(ABCA4):c.3729T>A (p.Tyr1243Ter)

Genes: ABCA4 (ATP binding cassette subfamily A member 4; minus strand), LOC126805794 (BRD4-independent group 4 enhancer GRCh37_chr1:94502188-94503387; plus strand). Cytogenetic location: 1p22.1.
Variant type: single nucleotide variant.
Coding change: c.3729T>A on transcript NM_000350.3 (MANE Select); coding-DNA position 3729, T replaced by A.
Protein change: p.Tyr1243Ter; replaces tyrosine 1243 with a stop codon.
Molecular consequence: nonsense.
Genome position (GRCh38, 1-based): chr1:94,037,229, A>T on the plus strand (T>A on the coding strand, the complement: ABCA4 is on the minus strand). VCF-style: chr1-94037229-A-T. GRCh37 (hg19) VCF-style: chr1-94502785-A-T.
Other names: c.3507T>A, p.Tyr1169Ter (NM_001425324.1); short protein forms Y1243*, Y1169*.
Identifiers: ClinVar variation 801512 (VCV000801512.11), dbSNP rs1570367230, ClinGen allele CA341289195.
Genomic context (GRCh38, chr1:94,037,229, plus strand): 5'-TCCAAAACTGCTGAGACCAAGGTCAGCCAGCGTCTCCTCCAGCTCTCTGAAAAGGCTGGC[A>T]TATGCTCTGTGCTTGAAGTTCTTATTTGGAAGAAGGAAGATAAGTTCTTGACCAATGCAC-3'

ClinVar aggregate classification (germline): Pathogenic. Review status: criteria provided, multiple submitters, no conflicts (2 of 4 stars). 2 submissions from 2 submitters: Pathogenic (2). Last evaluated 2023-03-10.

Conditions:
Severe early-childhood-onset retinal dystrophy (STGD1). Also called: Stargardt macular dystrophy; Juvenile onset macular degeneration; Stargardt disease 1; MACULAR DYSTROPHY WITH FLECKS, TYPE 1; STGD. Identifiers: Orphanet 364055, Orphanet 827, MedGen C1855465, MeSH D000080362, MONDO:0009549, OMIM 248200.

Submissions (2):

Labcorp Genetics (formerly Invitae), Labcorp
Classification: Pathogenic. Last evaluated: 2023-03-10. Review status: criteria provided, single submitter. Criteria: Invitae Variant Classification Sherloc (09022015). Collection method: clinical testing. Allele origin: germline.
Comment: This sequence change creates a premature translational stop signal (p.Tyr1243*) in the ABCA4 gene. It is expected to result in an absent or disrupted protein product. Loss-of-function variants in ABCA4 are known to be pathogenic (PMID: 10958761, 24938718, 25312043, 26780318). This variant is not present in population databases (gnomAD no frequency). This premature translational stop signal has been observed in individual(s) with Stargardt disease (Invitae). For these reasons, this variant has been classified as Pathogenic. ClinVar contains an entry for this variant (Variation ID: 801512).

Mendelics
Classification: Pathogenic for Severe early-childhood-onset retinal dystrophy. Last evaluated: 2019-05-28. Review status: criteria provided, single submitter. Criteria: Mendelics Assertion Criteria 2017. Collection method: clinical testing. Allele origin: unknown.

Literature cited by the submitters: PubMed 10958761 (cited by Labcorp Genetics (formerly Invitae), Labcorp); PubMed 24938718 (cited by Labcorp Genetics (formerly Invitae), Labcorp); PubMed 25312043 (cited by Labcorp Genetics (formerly Invitae), Labcorp); PubMed 26780318 (cited by Labcorp Genetics (formerly Invitae), Labcorp).